The following is an entry in ClinVar:

ClinVar aggregate classification (germline): Uncertain significance. Review status: criteria provided, multiple submitters, no conflicts (2 of 4 stars). 2 submissions from 2 submitters: Uncertain significance (2). Last evaluated 2025-11-24.

Conditions:
Inborn genetic diseases. Identifiers: MedGen C0950123, MeSH D030342.
Asphyxiating thoracic dystrophy 5 (SRTD5). Also called: SHORT-RIB THORACIC DYSPLASIA 5 WITH OR WITHOUT POLYDACTYLY; SHORT-RIB THORACIC DYSPLASIA 5 WITHOUT POLYDACTYLY. Identifiers: Orphanet 474, MedGen C3280598, MONDO:0013717, OMIM 614376.
Senior-Loken syndrome 8 (SLSN8). Identifiers: Orphanet 3156, MedGen C4225376, MONDO:0014579, OMIM 616307.

Allele frequency attached by ClinVar (database versions not stated): gnomAD exomes below 0.00001; TOPMed below 0.00001; ExAC 0.00002.
gnomAD v4.1: 2 of 1,605,390 alleles (0.00012%); highest among the groups gnomAD compares: Non-Finnish European, 0.00017%; no homozygotes.

Submissions (2):

Ambry Genetics
Classification: Uncertain significance for Inborn genetic diseases. Last evaluated: 2025-11-24. Review status: criteria provided, single submitter. Criteria: Ambry Variant Classification Scheme 2023. Collection method: clinical testing. Allele origin: germline.

Labcorp Genetics (formerly Invitae), Labcorp
Classification: Uncertain significance for Senior-Loken syndrome 8; Asphyxiating thoracic dystrophy 5. Last evaluated: 2021-04-10. Review status: criteria provided, single submitter. Criteria: Invitae Variant Classification Sherloc (09022015). Collection method: clinical testing. Allele origin: germline.
Comment: Algorithms developed to predict the effect of missense changes on protein structure and function (SIFT, PolyPhen-2, Align-GVGD) all suggest that this variant is likely to be tolerated, but these predictions have not been confirmed by published functional studies and their clinical significance is uncertain. This variant has not been reported in the literature in individuals with WDR19-related conditions. This variant is present in population databases (rs765379022, ExAC 0.003%). This sequence change replaces lysine with asparagine at codon 1171 of the WDR19 protein (p.Lys1171Asn). The lysine residue is highly conserved and there is a moderate physicochemical difference between lysine and asparagine. In summary, the available evidence is currently insufficient to determine the role of this variant in disease. Therefore, it has been classified as a Variant of Uncertain Significance.

NM_025132.4(WDR19):c.3513A>T (p.Lys1171Asn)

Gene: WDR19 (WD repeat domain 19; plus strand). Cytogenetic location: 4p14.
Variant type: single nucleotide variant.
Coding change: c.3513A>T on transcript NM_025132.4 (MANE Select); coding-DNA position 3513, A replaced by T.
Protein change: p.Lys1171Asn; replaces lysine 1171 with asparagine.
Molecular consequence: missense variant.
Genome position (GRCh38, 1-based): chr4:39,273,009, A>T. VCF-style: chr4-39273009-A-T. GRCh37 (hg19) VCF-style: chr4-39274629-A-T.
Other names: c.3513A>T (NM_025132.3); c.3033A>T, p.Lys1011Asn (NM_001317924.2); short protein forms K1011N, K1171N.
Identifiers: ClinVar variation 1522585 (VCV001522585.9), dbSNP rs765379022, ClinGen allele CA2892404.
Genomic context (GRCh38, chr4:39,273,009, plus strand): 5'-TAAGAAGAGTAAAATATGTCATTTGTTTCAGATTCATGTTAAAAATGGAGATCACATGAA[A>T]GGGGCTCGCATGCTCATTCGGGTGGCCAACAACATCAGCAAATTTCCATCACGTAAGTAC-3'
Protein context (NP_079408.3, residues 1161-1181): KIHVKNGDHM[Lys1171Asn]GARMLIRVAN